The following is an entry in ClinVar:

ClinVar aggregate classification (germline): Uncertain significance (1 of 4 stars; one submission).

Conditions:
Cardiovascular phenotype. Identifiers: MedGen CN230736.

Submission:

Ambry Genetics
Classification: Uncertain significance for Cardiovascular phenotype. Last evaluated: 2025-06-20. Review status: criteria provided, single submitter. Criteria: Ambry Variant Classification Scheme 2023. Collection method: clinical testing. Allele origin: germline.
Comment: The p.R1536T variant (also known as c.4607G>C), located in coding exon 26 of the APOB gene, results from a G to C substitution at nucleotide position 4607. The arginine at codon 1536 is replaced by threonine, an amino acid with similar properties. This amino acid position is conserved. In addition, this alteration is predicted to be tolerated by in silico analysis. Based on the available evidence, the clinical significance of this variant remains unclear.

NM_000384.3(APOB):c.4607G>C (p.Arg1536Thr)

Gene: APOB (apolipoprotein B; minus strand). Cytogenetic location: 2p24.1.
Variant type: single nucleotide variant.
Coding change: c.4607G>C on transcript NM_000384.3 (MANE Select); coding-DNA position 4607, G replaced by C.
Protein change: p.Arg1536Thr; replaces arginine 1536 with threonine.
Molecular consequence: missense variant.
Genome position (GRCh38, 1-based): chr2:21,012,261, C>G on the plus strand (G>C on the coding strand, the complement: APOB is on the minus strand). VCF-style: chr2-21012261-C-G. GRCh37 (hg19) VCF-style: chr2-21235133-C-G.
Other names: short protein forms R1536T.
Identifiers: ClinVar variation 4124851 (VCV004124851.1).